The following is an entry in ClinVar:

ClinVar aggregate classification (germline): Conflicting classifications of pathogenicity. Review status: criteria provided, conflicting classifications (1 of 4 stars). 2 submissions from 2 submitters: Uncertain significance (1); Likely benign (1). Last evaluated 2023-03-23.

Conditions:
Hereditary cancer-predisposing syndrome. Also called: Hereditary Cancer Syndrome; Hereditary neoplastic syndrome; Neoplastic Syndromes, Hereditary; Tumor predisposition. Identifiers: Orphanet 140162, MedGen C0027672, MeSH D009386, MONDO:0015356.

Allele frequency attached by ClinVar (database versions not stated): gnomAD exomes below 0.00001.
gnomAD v4.1: 4 of 1,613,872 alleles (0.00025%); highest among the groups gnomAD compares: South Asian, 0.0044%; no homozygotes.

Submissions (2):

University of Washington Department of Laboratory Medicine, University of Washington
Classification: Likely benign for Hereditary cancer-predisposing syndrome. Last evaluated: 2023-03-23. Review status: criteria provided, single submitter. Criteria: Dines et al. (Genet Med. 2020). Collection method: curation. Allele origin: germline.
Comment: Missense variant in a coldspot region where missense variants are very unlikely to be pathogenic (PMID:31911673).

BRCA2 exon 11 coldspot. Reclassification based on statistical prior probability.

Ambry Genetics
Classification: Uncertain significance for Hereditary cancer-predisposing syndrome. Last evaluated: 2016-10-25. Review status: criteria provided, single submitter. Criteria: Ambry Variant Classification Scheme 2023. Collection method: clinical testing. Allele origin: germline.
Comment: The p.V1497L variant (also known as c.4489G>C), located in coding exon 10 of the BRCA2 gene, results from a G to C substitution at nucleotide position 4489. The valine at codon 1497 is replaced by leucine, an amino acid with highly similar properties. This variant was not reported in population based cohorts in the following databases: Database of Single Nucleotide Polymorphisms (dbSNP), NHLBI Exome Sequencing Project (ESP), and 1000 Genomes Project. In the ESP, this variant was not observed in 6499 samples (12998 alleles) with coverage at this position. To date, this alteration has been detected with an allele frequency of approximately 0.0003% (greater than 300000 alleles tested) in our clinical cohort. This amino acid position is poorly conserved in available vertebrate species. In addition, this alteration is predicted to be tolerated by in silico analysis. Since supporting evidence is limited at this time, the clinical significance of this alteration remains unclear.

NM_000059.4(BRCA2):c.4489G>C (p.Val1497Leu)

Gene: BRCA2 (BRCA2 DNA repair associated; plus strand). Cytogenetic location: 13q13.1.
Variant type: single nucleotide variant.
Coding change: c.4489G>C on transcript NM_000059.4 (MANE Select); coding-DNA position 4489, G replaced by C.
Protein change: p.Val1497Leu; replaces valine 1497 with leucine.
Molecular consequence: missense variant.
Genome position (GRCh38, 1-based): chr13:32,338,844, G>C. VCF-style: chr13-32338844-G-C. GRCh37 (hg19) VCF-style: chr13-32912981-G-C.
Other names: short protein forms V1497L.
Identifiers: ClinVar variation 441484 (VCV000441484.7), dbSNP rs1271777808, ClinGen allele CA387781539.